The following is an entry in ClinVar:

ClinVar aggregate classification (germline): Uncertain significance. Review status: criteria provided, multiple submitters, no conflicts (2 of 4 stars). 3 submissions from 3 submitters: Uncertain significance (2). 1 of the submissions does not count toward it. Last evaluated 2022-01-20.

Conditions:
STK36-related disorder. Also called: STK36-related condition.
Ciliary dyskinesia, primary, 46. Identifiers: MedGen C5543646, MONDO:0030332, OMIM 619436.

Allele frequency attached by ClinVar (database versions not stated): gnomAD 0.00001 and 0.00021; TOPMed 0.00003; gnomAD exomes 0.00049 and 0.00109; ExAC 0.00126; 1000 Genomes Project 0.00160; 1000 Genomes Project 30x 0.00203.
gnomAD v4.1: 759 of 1,614,116 alleles (0.047%); highest among the groups gnomAD compares: South Asian, 0.78%; 8 homozygotes.

Submissions (3):

Diagnostics Services (NGS), CSIR - Centre For Cellular And Molecular Biology
Classification: Uncertain significance for Ciliary dyskinesia, primary, 46. Last evaluated: 2022-01-20. Review status: criteria provided, single submitter. Criteria: ACMG Guidelines, 2015. Collection method: clinical testing. Allele origin: unknown. Inheritance: Autosomal recessive inheritance. Affected: yes. Observed: 1 variant allele, 1 heterozygote.
Comment: The c.3643G>A variant is not present in publicly available population databases like EVS. The variant is present in 1000 Genomes, ExAC, gnomAD, dbSNP and Indian Exome Database at a low frequency. The heterozygous state of the variant is present in our in-house exome database at a low frequency. The variant was not reported earlier to ClinVar, HGMD and OMIM databases in any affected individuals. In-silico pathogenicity prediction programs like MutationTaster2, CADD etc. predicted this variant to be likely deleterious, however these predictions were not confirmed by any published fuctional studies.

Breakthrough Genomics
Classification: Uncertain significance. Review status: criteria provided, single submitter. Criteria: ACMG Guidelines, 2015. Collection method: not provided. Allele origin: germline. Inheritance: Autosomal recessive inheritance. Affected: yes.

PreventionGenetics, part of Exact Sciences
Classification: Benign for STK36-related condition. Last evaluated: 2023-06-14. Review status: no assertion criteria provided. Collection method: clinical testing. Allele origin: germline. Not counted in ClinVar's aggregate classification.
Comment: This variant is classified as benign based on ACMG/AMP sequence variant interpretation guidelines (Richards et al. 2015 PMID: 25741868, with internal and published modifications).

NM_015690.5(STK36):c.3643G>A (p.Ala1215Thr)

Gene: STK36 (serine/threonine kinase 36; plus strand). Cytogenetic location: 2q35.
Variant type: single nucleotide variant.
Coding change: c.3643G>A on transcript NM_015690.5 (MANE Select); coding-DNA position 3643, G replaced by A.
Protein change: p.Ala1215Thr; replaces alanine 1215 with threonine.
Molecular consequence: missense variant.
Genome position (GRCh38, 1-based): chr2:218,699,187, G>A. VCF-style: chr2-218699187-G-A. GRCh37 (hg19) VCF-style: chr2-219563910-G-A.
Other names: c.3580G>A, p.Ala1194Thr (NM_001243313.2); c.3643G>A, p.Ala1215Thr (NM_001369423.1); c.3643G>A (NM_015690.4); short protein forms A1194T, A1215T.
Identifiers: ClinVar variation 1691318 (VCV001691318.7), dbSNP rs537610210, ClinGen allele CA2111439.